The following is an entry in ClinVar:

ClinVar aggregate classification (germline): Uncertain significance (1 of 4 stars; one submission).

Submission:

Labcorp Genetics (formerly Invitae), Labcorp
Classification: Uncertain significance. Last evaluated: 2024-06-13. Review status: criteria provided, single submitter. Criteria: Invitae Variant Classification Sherloc (09022015). Collection method: clinical testing. Allele origin: germline.
Comment: This sequence change replaces lysine, which is basic and polar, with asparagine, which is neutral and polar, at codon 246 of the CTNNA1 protein (p.Lys246Asn). This variant is not present in population databases (gnomAD no frequency). This variant has not been reported in the literature in individuals affected with CTNNA1-related conditions. Advanced modeling of protein sequence and biophysical properties (such as structural, functional, and spatial information, amino acid conservation, physicochemical variation, residue mobility, and thermodynamic stability) performed at Invitae indicates that this missense variant is not expected to disrupt CTNNA1 protein function with a negative predictive value of 80%. In summary, the available evidence is currently insufficient to determine the role of this variant in disease. Therefore, it has been classified as a Variant of Uncertain Significance.

NM_001903.5(CTNNA1):c.738G>C (p.Lys246Asn)

Gene: CTNNA1 (catenin alpha 1; plus strand). Cytogenetic location: 5q31.2.
Variant type: single nucleotide variant.
Coding change: c.738G>C on transcript NM_001903.5 (MANE Select); coding-DNA position 738, G replaced by C.
Protein change: p.Lys246Asn; replaces lysine 246 with asparagine.
Molecular consequence: missense variant.
Genome position (GRCh38, 1-based): chr5:138,824,679, G>C. VCF-style: chr5-138824679-G-C. GRCh37 (hg19) VCF-style: chr5-138160368-G-C.
Other names: c.738G>C, p.Lys246Asn (NM_001290307.3, NM_001323982.2, NM_001323983.1 and 3 more transcripts); c.429G>C, p.Lys143Asn (NM_001290309.3); c.369G>C, p.Lys123Asn (NM_001290310.3); short protein forms K143N, K123N, K246N.
Identifiers: ClinVar variation 3656547 (VCV003656547.2).